The following is an entry in ClinVar:

ClinVar aggregate classification (germline): Likely pathogenic (1 of 4 stars; one submission).

Conditions:
Kabuki syndrome. Also called: NIIKAWA-KUROKI SYNDROME; Kabuki make-up syndrome. Identifiers: Orphanet 2322, MedGen C0796004, MONDO:0016512.

Submission:

Labcorp Genetics (formerly Invitae), Labcorp
Classification: Likely pathogenic for Kabuki syndrome. Last evaluated: 2019-10-23. Review status: criteria provided, single submitter. Criteria: Invitae Variant Classification Sherloc (09022015). Collection method: clinical testing. Allele origin: germline.
Comment: This sequence change affects a donor splice site in intron 51 of the KMT2D gene. It is expected to disrupt RNA splicing and likely results in an absent or disrupted protein product. This variant is not present in population databases (ExAC no frequency). Disruption of this splice site has been observed in an individual with clinical features of Kabuki syndrome (PMID: 23913813). This gene is also known as MLL2 in the literature. Donor and acceptor splice site variants typically lead to a loss of protein function (PMID: 16199547), and loss-of-function variants in KMT2D are known to be pathogenic (PMID: 22126750). In summary, the currently available evidence indicates that the variant is pathogenic, but additional data are needed to prove that conclusively. Therefore, this variant has been classified as Likely Pathogenic.

Literature cited by the submitters: PubMed 23913813; PubMed 22126750.

NM_003482.4(KMT2D):c.16338+1G>A

Gene: KMT2D (lysine methyltransferase 2D; minus strand). Cytogenetic location: 12q13.12.
Variant type: single nucleotide variant.
Coding change: c.16338+1G>A on transcript NM_003482.4 (MANE Select); the canonical splice donor site of the intron after coding-DNA position 16338, G replaced by A.
Molecular consequence: splice donor variant.
Genome position (GRCh38, 1-based): chr12:49,022,589, C>T on the plus strand (G>A on the coding strand, the complement: KMT2D is on the minus strand). VCF-style: chr12-49022589-C-T. GRCh37 (hg19) VCF-style: chr12-49416372-C-T.
Identifiers: ClinVar variation 966206 (VCV000966206.1), dbSNP rs1555184782, ClinGen allele CA384677310.
Genomic context (GRCh38, chr12:49,022,589, plus strand): 5'-GCCCTTGCTCCTTGGTTGAGTGCAGACTATGCACCACAATGGCCCCTCTGCCAGCTCATA[C>T]CTGCTCTTCGTAGATTTTCTCCCGCCGGTTGGCCACCTCGTTCCGAATGATGGTGCCAAT-3'